The following is an entry in ClinVar:

ClinVar aggregate classification (germline): Uncertain significance. Review status: criteria provided, multiple submitters, no conflicts (2 of 4 stars). 3 submissions from 3 submitters: Uncertain significance (3). Last evaluated 2025-04-09.

Conditions:
Cardiovascular phenotype. Identifiers: MedGen CN230736.
Hypertrophic cardiomyopathy. Also called: HYPERTROPHIC MYOCARDIOPATHY. Identifiers: Orphanet 217569, MedGen C0007194, MeSH D002312, MONDO:0005045, HP:0001639.

Submissions (3):

Molecular Diagnostic Laboratory for Inherited Cardiovascular Disease, Montreal Heart Institute
Classification: Uncertain significance for Cardiovascular phenotype. Last evaluated: 2025-04-09. Review status: criteria provided, single submitter. Criteria: ACMG Guidelines, 2015. Collection method: clinical testing. Allele origin: germline. Affected: yes.

Labcorp Genetics (formerly Invitae), Labcorp
Classification: Uncertain significance for Hypertrophic cardiomyopathy. Last evaluated: 2025-01-01. Review status: criteria provided, single submitter. Criteria: Invitae Variant Classification Sherloc (09022015). Collection method: clinical testing. Allele origin: germline.
Comment: This sequence change replaces glycine, which is neutral and non-polar, with serine, which is neutral and polar, at codon 204 of the MYBPC3 protein (p.Gly204Ser). This variant is not present in population databases (gnomAD no frequency). This missense change has been observed in individual(s) with clinical features of MYBPC3-related conditions (PMID: 37652022). ClinVar contains an entry for this variant (Variation ID: 1203446). An algorithm developed to predict the effect of missense changes on protein structure and function (PolyPhen-2) suggests that this variant is likely to be disruptive. In summary, the available evidence is currently insufficient to determine the role of this variant in disease. Therefore, it has been classified as a Variant of Uncertain Significance.

GeneDx
Classification: Uncertain significance. Last evaluated: 2019-12-13. Review status: criteria provided, single submitter. Criteria: GeneDx Variant Classification Process June 2021. Collection method: clinical testing. Allele origin: germline. Affected: yes.
Comment: Has not been previously published as pathogenic or benign to our knowledge; Not observed in large population cohorts (Lek et al., 2016); In silico analysis, which includes protein predictors and evolutionary conservation, supports a deleterious effect

Literature cited by the submitters: PubMed 37652022 (cited by Labcorp Genetics (formerly Invitae), Labcorp).

NM_000256.3(MYBPC3):c.610G>A (p.Gly204Ser)

Gene: MYBPC3 (myosin binding protein C3; minus strand). Cytogenetic location: 11p11.2.
Variant type: single nucleotide variant.
Coding change: c.610G>A on transcript NM_000256.3 (MANE Select); coding-DNA position 610, G replaced by A.
Protein change: p.Gly204Ser; replaces glycine 204 with serine.
Molecular consequence: missense variant.
Genome position (GRCh38, 1-based): chr11:47,349,818, C>T on the plus strand (G>A on the coding strand, the complement: MYBPC3 is on the minus strand). VCF-style: chr11-47349818-C-T. GRCh37 (hg19) VCF-style: chr11-47371369-C-T.
Other names: short protein forms G204S.
Identifiers: ClinVar variation 1203446 (VCV001203446.6), dbSNP rs2142867705, ClinGen allele CA380337508.